The following is an entry in ClinVar:

ClinVar aggregate classification (germline): Uncertain significance (1 of 4 stars; one submission).

gnomAD v4.1: 28 of 1,557,960 alleles (0.0018%); highest among the groups gnomAD compares: East Asian, 0.0048%; no homozygotes.

Submission:

Labcorp Genetics (formerly Invitae), Labcorp
Classification: Uncertain significance. Last evaluated: 2026-01-14. Review status: criteria provided, single submitter. Criteria: Invitae Variant Classification Sherloc (09022015). Collection method: clinical testing. Allele origin: germline.
Comment: This sequence change replaces glutamic acid, which is acidic and polar, with alanine, which is neutral and non-polar, at codon 129 of the PDE4D protein (p.Glu129Ala). This variant is present in population databases (no rsID available, gnomAD 0.02%). This variant has not been reported in the literature in individuals affected with PDE4D-related conditions. An algorithm developed to predict the effect of missense changes on protein structure and function (PolyPhen-2) suggests that this variant is likely to be tolerated. In summary, the available evidence is currently insufficient to determine the role of this variant in disease. Therefore, it has been classified as a Variant of Uncertain Significance.

NM_001104631.2(PDE4D):c.386A>C (p.Glu129Ala)

Gene: PDE4D (phosphodiesterase 4D; minus strand). Cytogenetic location: 5q12.1.
Variant type: single nucleotide variant.
Coding change: c.386A>C on transcript NM_001104631.2 (MANE Select); coding-DNA position 386, A replaced by C.
Protein change: p.Glu129Ala; replaces glutamic acid 129 with alanine.
Molecular consequence: missense variant. On other transcripts: intron variant (5).
Genome position (GRCh38, 1-based): chr5:59,893,237, T>G on the plus strand (A>C on the coding strand, the complement: PDE4D is on the minus strand). VCF-style: chr5-59893237-T-G. GRCh37 (hg19) VCF-style: chr5-59189064-T-G.
Other names: c.272+95251A>C (NM_001364599.1, NM_001165899.2, NM_001364600.2); c.-240+95251A>C (NM_001349243.2); c.242+95251A>C (NM_001349241.2); short protein forms E129A.
Identifiers: ClinVar variation 4748970 (VCV004748970.1).